The following is an entry in ClinVar:

ClinVar aggregate classification (germline): Likely benign (1 of 4 stars; one submission).

gnomAD v4.1: 848 of 1,593,022 alleles (0.053%); highest among the groups gnomAD compares: Non-Finnish European, 0.069%; 1 homozygote.

Submission:

CeGaT Center for Human Genetics Tuebingen
Classification: Likely benign. Last evaluated: 2026-02-01. Review status: criteria provided, single submitter. Criteria: CeGaT Center For Human Genetics Tuebingen Variant Classification Criteria Version 2. Collection method: clinical testing. Allele origin: germline. Affected: yes. Observed: 2 variant alleles.
Comment: DSCAM: BP4, BP7

NM_001389.5(DSCAM):c.5979C>T (p.Leu1993=)

Gene: DSCAM (DS cell adhesion molecule; minus strand). Cytogenetic location: 21q22.2.
Variant type: single nucleotide variant.
Coding change: c.5979C>T on transcript NM_001389.5 (MANE Select); coding-DNA position 5979, C replaced by T.
Protein change: p.Leu1993=; no amino-acid change (leucine 1993 retained).
Molecular consequence: synonymous variant. On other transcripts: non-coding transcript variant (1).
Genome position (GRCh38, 1-based): chr21:40,013,094, G>A on the plus strand (C>T on the coding strand, the complement: DSCAM is on the minus strand). VCF-style: chr21-40013094-G-A. GRCh37 (hg19) VCF-style: chr21-41385021-G-A.
Other names: c.5925C>T, p.Leu1975= (NM_001271534.3).
Identifiers: ClinVar variation 3778045 (VCV003778045.7).